The following is an entry in ClinVar:

NM_138386.3(NAF1):c.930G>A (p.Glu310=)

Gene: NAF1 (nuclear assembly factor 1 ribonucleoprotein; minus strand). Cytogenetic location: 4q32.2.
Variant type: single nucleotide variant.
Coding change: c.930G>A on transcript NM_138386.3 (MANE Select); coding-DNA position 930, G replaced by A.
Protein change: p.Glu310=; no amino-acid change (glutamic acid 310 retained).
Molecular consequence: synonymous variant.
Genome position (GRCh38, 1-based): chr4:163,137,199, C>T on the plus strand (G>A on the coding strand, the complement: NAF1 is on the minus strand). VCF-style: chr4-163137199-C-T. GRCh37 (hg19) VCF-style: chr4-164058351-C-T.
Other names: c.930G>A, p.Glu310= (NM_001128931.2).
Identifiers: ClinVar variation 2094673 (VCV002094673.4), dbSNP rs1395790616, ClinGen allele CA442204196.

ClinVar aggregate classification (germline): Uncertain significance (1 of 4 stars; one submission).

Submission:

Labcorp Genetics (formerly Invitae), Labcorp
Classification: Uncertain significance. Last evaluated: 2022-06-22. Review status: criteria provided, single submitter. Criteria: Invitae Variant Classification Sherloc (09022015). Collection method: clinical testing. Allele origin: germline.
Comment: In summary, the available evidence is currently insufficient to determine the role of this variant in disease. Therefore, it has been classified as a Variant of Uncertain Significance. Variants that disrupt the consensus splice site are a relatively common cause of aberrant splicing (PMID: 17576681, 9536098). Algorithms developed to predict the effect of sequence changes on RNA splicing suggest that this variant is not likely to affect RNA splicing. This variant has not been reported in the literature in individuals affected with NAF1-related conditions. This variant is present in population databases (no rsID available, gnomAD 0.006%). This sequence change affects codon 310 of the NAF1 mRNA. It is a 'silent' change, meaning that it does not change the encoded amino acid sequence of the NAF1 protein. This variant also falls at the last nucleotide of exon 6, which is part of the consensus splice site for this exon.

Literature cited by the submitters: PubMed 17576681; PubMed 9536098.